The following is an entry in ClinVar:

ClinVar aggregate classification (germline): Uncertain significance (1 of 4 stars; one submission).

Submission:

Labcorp Genetics (formerly Invitae), Labcorp
Classification: Uncertain significance. Last evaluated: 2025-01-13. Review status: criteria provided, single submitter. Criteria: Invitae Variant Classification Sherloc (09022015). Collection method: clinical testing. Allele origin: germline.
Comment: This sequence change replaces valine, which is neutral and non-polar, with alanine, which is neutral and non-polar, at codon 330 of the TNNI3K protein (p.Val330Ala). This variant is not present in population databases (gnomAD no frequency). This variant has not been reported in the literature in individuals affected with TNNI3K-related conditions. ClinVar contains an entry for this variant (Variation ID: 2782673). Invitae Evidence Modeling of protein sequence and biophysical properties (such as structural, functional, and spatial information, amino acid conservation, physicochemical variation, residue mobility, and thermodynamic stability) indicates that this missense variant is not expected to disrupt TNNI3K protein function with a negative predictive value of 80%. In summary, the available evidence is currently insufficient to determine the role of this variant in disease. Therefore, it has been classified as a Variant of Uncertain Significance.

NM_015978.3(TNNI3K):c.989T>C (p.Val330Ala)

Genes: FPGT-TNNI3K (FPGT-TNNI3K readthrough; plus strand), TNNI3K (TNNI3 interacting kinase; plus strand). Cytogenetic location: 1p31.1.
Variant type: single nucleotide variant.
Coding change: c.989T>C on transcript NM_015978.3 (MANE Select); coding-DNA position 989, T replaced by C.
Protein change: p.Val330Ala; replaces valine 330 with alanine.
Molecular consequence: missense variant.
Genome position (GRCh38, 1-based): chr1:74,353,322, T>C. VCF-style: chr1-74353322-T-C. GRCh37 (hg19) VCF-style: chr1-74819006-T-C.
Other names: c.1292T>C, p.Val431Ala (NM_001112808.3, NM_001199327.2); short protein forms V330A, V431A.
Identifiers: ClinVar variation 2782673 (VCV002782673.3), dbSNP rs2524408775, ClinGen allele CA340783732.